The following is an entry in ClinVar:

NM_003573.2(LTBP4):c.25T>C (p.Phe9Leu)

Gene: LTBP4 (latent transforming growth factor beta binding protein 4; plus strand). Cytogenetic location: 19q13.2.
Variant type: single nucleotide variant.
Coding change: c.25T>C on transcript NM_003573.2; coding-DNA position 25, T replaced by C.
Protein change: p.Phe9Leu; replaces phenylalanine 9 with leucine.
Molecular consequence: missense variant.
Genome position (GRCh38, 1-based): chr19:40,599,205, T>C. VCF-style: chr19-40599205-T-C. GRCh37 (hg19) VCF-style: chr19-41105111-T-C.
Other names: c.155T>C, p.Val52Ala (NM_001042544.1); short protein forms F9L, V52A.
Identifiers: ClinVar variation 1343570 (VCV001343570.4), dbSNP rs769281501, ClinGen allele CA9447914.

ClinVar aggregate classification (germline): Uncertain significance. Review status: criteria provided, multiple submitters, no conflicts (2 of 4 stars). 2 submissions from 2 submitters: Uncertain significance (2). Last evaluated 2024-12-06.

Conditions:
LTBP4-related disorder. Also called: LTBP4-related condition.

Allele frequency attached by ClinVar (database versions not stated): gnomAD exomes 0.00006 and 0.00012; ExAC 0.00020; gnomAD 0.00005.
gnomAD v4.1: 91 of 1,609,988 alleles (0.0057%); highest among the groups gnomAD compares: South Asian, 0.095%; 2 homozygotes.

Submissions (2):

PreventionGenetics, part of Exact Sciences
Classification: Uncertain significance for LTBP4-related condition. Last evaluated: 2024-12-06. Review status: criteria provided, single submitter. Criteria: ACMG Guidelines, 2015. Collection method: clinical testing. Allele origin: germline.
Comment: The LTBP4 c.25T>C variant is predicted to result in the amino acid substitution p.Phe9Leu. To our knowledge, this variant has not been reported in the literature. This variant is reported in 0.087% of alleles in individuals of South Asian descent in gnomAD. At this time, the clinical significance of this variant is uncertain due to the absence of conclusive functional and genetic evidence.

Women's Health and Genetics/Laboratory Corporation of America, LabCorp
Classification: Uncertain significance. Last evaluated: 2022-02-17. Review status: criteria provided, single submitter. Criteria: LabCorp Variant Classification Summary - May 2015. Collection method: clinical testing. Allele origin: germline.